The following is an entry in ClinVar:

ClinVar aggregate classification (germline): Uncertain significance (1 of 4 stars; one submission).

Submission:

GeneDx
Classification: Uncertain significance. Last evaluated: 2026-03-10. Review status: criteria provided, single submitter. Criteria: GeneDx Variant Classification Process June 2021. Collection method: clinical testing. Allele origin: germline.
Comment: Not observed at significant frequency in large population cohorts (gnomAD); In silico analysis suggests that this missense variant does not alter protein structure/function; Has not been previously published as pathogenic or benign to our knowledge

NM_001127222.2(CACNA1A):c.2588G>A (p.Arg863His)

Gene: CACNA1A (calcium voltage-gated channel subunit alpha1 A; minus strand). Cytogenetic location: 19p13.13.
Variant type: single nucleotide variant.
Coding change: c.2588G>A on transcript NM_001127222.2 (MANE Select); coding-DNA position 2588, G replaced by A.
Protein change: p.Arg863His; replaces arginine 863 with histidine.
Molecular consequence: missense variant.
Genome position (GRCh38, 1-based): chr19:13,299,045, C>T on the plus strand (G>A on the coding strand, the complement: CACNA1A is on the minus strand). VCF-style: chr19-13299045-C-T. GRCh37 (hg19) VCF-style: chr19-13409859-C-T.
Other names: c.2600G>A, p.Arg867His (NM_000068.4, NM_023035.3); c.2591G>A, p.Arg864His (NM_001127221.2, NM_001174080.2); short protein forms R863H, R864H, R867H.
Identifiers: ClinVar variation 3766245 (VCV003766245.2).